The following is an entry in ClinVar:

NM_001134363.3(RBM20):c.2072C>T (p.Ala691Val)

Gene: RBM20 (RNA binding motif protein 20; plus strand). Cytogenetic location: 10q25.2.
Variant type: single nucleotide variant.
Coding change: c.2072C>T on transcript NM_001134363.3 (MANE Select); coding-DNA position 2072, C replaced by T.
Protein change: p.Ala691Val; replaces alanine 691 with valine.
Molecular consequence: missense variant.
Genome position (GRCh38, 1-based): chr10:110,812,469, C>T. VCF-style: chr10-110812469-C-T. GRCh37 (hg19) VCF-style: chr10-112572227-C-T.
Other names: c.2072C>T (NM_001134363.1); short protein forms A691V.
Identifiers: ClinVar variation 1402872 (VCV001402872.11), dbSNP rs1293517489, ClinGen allele CA378371329.
Genomic context (GRCh38, chr10:110,812,469, plus strand): 5'-ATGGCCGGGACTCCTGGGAGCACTCTCCCTATGCCAGGAGGGAGGAAGAGCGAGACCCGG[C>T]TCCCTGGAGGGACAACGGAGATGACAAGAGGGACAGGATGGACCCCTGGGCACATGATCG-3'
Protein context (NP_001127835.2, residues 681-701): YARREEERDP[Ala691Val]PWRDNGDDKR

ClinVar aggregate classification (germline): Uncertain significance. Review status: criteria provided, multiple submitters, no conflicts (2 of 4 stars). 2 submissions from 2 submitters: Uncertain significance (2). Last evaluated 2025-08-20.

Conditions:
Dilated cardiomyopathy 1DD (CMD1DD). Identifiers: Orphanet 154, MedGen C2750995, MONDO:0013168, OMIM 613172.
Cardiovascular phenotype. Identifiers: MedGen CN230736.

Allele frequency attached by ClinVar (database versions not stated): gnomAD 0.00001; gnomAD exomes 0.00001.
gnomAD v4.1: 6 of 1,551,574 alleles (0.00039%); highest among the groups gnomAD compares: African/African-American, 0.0055%; no homozygotes.

Submissions (2):

Ambry Genetics
Classification: Uncertain significance for Cardiovascular phenotype. Last evaluated: 2025-08-20. Review status: criteria provided, single submitter. Criteria: Ambry Variant Classification Scheme 2023. Collection method: clinical testing. Allele origin: germline.

Labcorp Genetics (formerly Invitae), Labcorp
Classification: Uncertain significance for Dilated cardiomyopathy 1DD. Last evaluated: 2023-12-04. Review status: criteria provided, single submitter. Criteria: Invitae Variant Classification Sherloc (09022015). Collection method: clinical testing. Allele origin: germline.
Comment: This sequence change replaces alanine, which is neutral and non-polar, with valine, which is neutral and non-polar, at codon 691 of the RBM20 protein (p.Ala691Val). This variant is not present in population databases (gnomAD no frequency). This variant has not been reported in the literature in individuals affected with RBM20-related conditions. ClinVar contains an entry for this variant (Variation ID: 1402872). Advanced modeling of protein sequence and biophysical properties (such as structural, functional, and spatial information, amino acid conservation, physicochemical variation, residue mobility, and thermodynamic stability) performed at Invitae indicates that this missense variant is not expected to disrupt RBM20 protein function with a negative predictive value of 95%. In summary, the available evidence is currently insufficient to determine the role of this variant in disease. Therefore, it has been classified as a Variant of Uncertain Significance.